The following is an entry in ClinVar:

ClinVar aggregate classification (germline): Uncertain significance (1 of 4 stars; one submission).

Allele frequency attached by ClinVar (database versions not stated): gnomAD exomes 0.00001.
gnomAD v4.1: 9 of 1,613,664 alleles (0.00056%); highest among the groups gnomAD compares: Non-Finnish European, 0.00076%; no homozygotes.

Submission:

Labcorp Genetics (formerly Invitae), Labcorp
Classification: Uncertain significance. Last evaluated: 2023-07-22. Review status: criteria provided, single submitter. Criteria: Invitae Variant Classification Sherloc (09022015). Collection method: clinical testing. Allele origin: germline.
Comment: This sequence change creates a premature translational stop signal (p.Glu212*) in the ACVR1 gene. It is expected to result in an absent or disrupted protein product. However, the current clinical and genetic evidence is not sufficient to establish whether loss-of-function variants in ACVR1 cause disease. This variant is not present in population databases (gnomAD no frequency). This variant has not been reported in the literature in individuals affected with ACVR1-related conditions. In summary, the available evidence is currently insufficient to determine the role of this variant in disease. Therefore, it has been classified as a Variant of Uncertain Significance.

NM_001111067.4(ACVR1):c.634G>T (p.Glu212Ter)

Gene: ACVR1 (activin A receptor type 1; minus strand). Cytogenetic location: 2q24.1.
Variant type: single nucleotide variant.
Coding change: c.634G>T on transcript NM_001111067.4 (MANE Select); coding-DNA position 634, G replaced by T.
Protein change: p.Glu212Ter; replaces glutamic acid 212 with a stop codon.
Molecular consequence: nonsense.
Genome position (GRCh38, 1-based): chr2:157,774,097, C>A on the plus strand (G>T on the coding strand, the complement: ACVR1 is on the minus strand). VCF-style: chr2-157774097-C-A. GRCh37 (hg19) VCF-style: chr2-158630609-C-A.
Other names: c.634G>T, p.Glu212Ter (NM_001105.5, NM_001347663.1, NM_001347664.1 and 3 more transcripts); short protein forms E212*.
Identifiers: ClinVar variation 2738063 (VCV002738063.3), dbSNP rs1686178589, ClinGen allele CA349192513.